The following is an entry in ClinVar:

NM_013296.5(GPSM2):c.1871C>T (p.Pro624Leu)

Genes: CLCC1 (chloride channel CLIC like 1; minus strand), GPSM2 (G protein signaling modulator 2; plus strand). Cytogenetic location: 1p13.3.
Variant type: single nucleotide variant.
Coding change: c.1871C>T on transcript NM_013296.5 (MANE Select); coding-DNA position 1871, C replaced by T.
Protein change: p.Pro624Leu; replaces proline 624 with leucine.
Molecular consequence: missense variant. On other transcripts: 3 prime UTR variant (17), non-coding transcript variant (1).
Genome position (GRCh38, 1-based): chr1:108,929,756, C>T. VCF-style: chr1-108929756-C-T. GRCh37 (hg19) VCF-style: chr1-109472378-C-T.
Other names: c.*2791G>A (NM_001048210.3, NM_001278202.2, NM_001278203.1 and 10 more transcripts); c.*2796G>A (NM_001377459.1, NM_001377460.1, NM_001377462.1 and 1 more transcripts); c.1871C>T, p.Pro624Leu (NM_001321038.2, NM_001321039.3); short protein forms P624L.
Identifiers: ClinVar variation 1209148 (VCV001209148.7), dbSNP rs114558565, ClinGen allele CA983209.

ClinVar aggregate classification (germline): Uncertain significance. Review status: criteria provided, multiple submitters, no conflicts (2 of 4 stars). 2 submissions from 2 submitters: Uncertain significance (2). Last evaluated 2025-07-07.

Allele frequency attached by ClinVar (database versions not stated): gnomAD exomes 0.00008 and 0.00004; ExAC 0.00009; TOPMed 0.00021; gnomAD 0.00024 and 0.00025; 1000 Genomes Project 0.00060; 1000 Genomes Project 30x 0.00094; ESP Exome Variant Server 0.00023.
gnomAD v4.1: 104 of 1,613,030 alleles (0.0064%); highest among the groups gnomAD compares: African/African-American, 0.097%; no homozygotes.

Submissions (2):

GeneDx
Classification: Uncertain significance. Last evaluated: 2025-07-07. Review status: criteria provided, single submitter. Criteria: GeneDx Variant Classification Process June 2021. Collection method: clinical testing. Allele origin: germline. Affected: yes.
Comment: In silico analysis supports that this missense variant has a deleterious effect on protein structure/function; Has not been previously published as pathogenic or benign to our knowledge

Labcorp Genetics (formerly Invitae), Labcorp
Classification: Uncertain significance. Last evaluated: 2022-07-15. Review status: criteria provided, single submitter. Criteria: Invitae Variant Classification Sherloc (09022015). Collection method: clinical testing. Allele origin: germline.
Comment: This sequence change replaces proline, which is neutral and non-polar, with leucine, which is neutral and non-polar, at codon 624 of the GPSM2 protein (p.Pro624Leu). This variant is present in population databases (rs114558565, gnomAD 0.07%). This variant has not been reported in the literature in individuals affected with GPSM2-related conditions. ClinVar contains an entry for this variant (Variation ID: 1209148). Algorithms developed to predict the effect of missense changes on protein structure and function are either unavailable or do not agree on the potential impact of this missense change (SIFT: "Tolerated"; PolyPhen-2: "Possibly Damaging"; Align-GVGD: "Class C0"). In summary, the available evidence is currently insufficient to determine the role of this variant in disease. Therefore, it has been classified as a Variant of Uncertain Significance.